The following is an entry in ClinVar:

ClinVar aggregate classification (germline): Uncertain significance (1 of 4 stars; one submission).

gnomAD v4.1: 12 of 1,613,618 alleles (0.00074%); highest among the groups gnomAD compares: Middle Eastern, 0.15%; no homozygotes.

Submission:

CeGaT Center for Human Genetics Tuebingen
Classification: Uncertain significance. Last evaluated: 2026-04-01. Review status: criteria provided, single submitter. Criteria: CeGaT Center For Human Genetics Tuebingen Variant Classification Criteria Version 2. Collection method: clinical testing. Allele origin: germline. Affected: yes. Observed: 1 variant allele.
Comment: HSPG2: PM2

NM_005529.7(HSPG2):c.6838A>G (p.Lys2280Glu)

Genes: HSPG2 (heparan sulfate proteoglycan 2; minus strand), LOC126805655 (CDK7 strongly-dependent group 2 enhancer GRCh37_chr1:22178409-22179608; plus strand). Cytogenetic location: 1p36.12.
Variant type: single nucleotide variant.
Coding change: c.6838A>G on transcript NM_005529.7 (MANE Select); coding-DNA position 6838, A replaced by G.
Protein change: p.Lys2280Glu; replaces lysine 2280 with glutamic acid.
Molecular consequence: missense variant.
Genome position (GRCh38, 1-based): chr1:21,852,120, T>C on the plus strand (A>G on the coding strand, the complement: HSPG2 is on the minus strand). VCF-style: chr1-21852120-T-C. GRCh37 (hg19) VCF-style: chr1-22178613-T-C.
Other names: c.6841A>G, p.Lys2281Glu (NM_001291860.2); short protein forms K2280E, K2281E.
Identifiers: ClinVar variation 4872218 (VCV004872218.2).